The following is an entry in ClinVar:

ClinVar aggregate classification (germline): Likely benign. Review status: criteria provided, multiple submitters, no conflicts (2 of 4 stars). 2 submissions from 2 submitters: Likely benign (2). Last evaluated 2025-07-28.

Conditions:
CRB1-related disorder. Also called: CRB1-related disorders; CRB1-related condition.
Leber congenital amaurosis 8 (LCA8). Identifiers: Orphanet 65, MedGen C3151202, MONDO:0013453, OMIM 613835.
Retinitis pigmentosa 12 (RP12). Also called: RP WITH OR WITHOUT PRESERVED PARAARTERIOLE RETINAL PIGMENT EPITHELIUM; RETINITIS PIGMENTOSA WITH OR WITHOUT PARAARTERIOLAR PRESERVATION OF RETINAL PIGMENT EPITHELIUM; RP WITH OR WITHOUT PPRPE. Identifiers: Orphanet 791, MedGen C1838647, MONDO:0010818, OMIM 600105.

Allele frequency attached by ClinVar (database versions not stated): gnomAD 0.00001; TOPMed 0.00002; gnomAD exomes 0.00006 and 0.00007; ESP Exome Variant Server 0.00008; ExAC 0.00012.
gnomAD v4.1: 92 of 1,614,126 alleles (0.0057%); highest among the groups gnomAD compares: Non-Finnish European, 0.0075%; no homozygotes.

Submissions (2):

PreventionGenetics, part of Exact Sciences
Classification: Likely benign for CRB1-related condition. Last evaluated: 2025-07-28. Review status: criteria provided, single submitter. Criteria: ACMG Guidelines, 2015. Collection method: clinical testing. Allele origin: germline.
Comment: This variant is classified as likely benign based on ACMG/AMP sequence variant interpretation guidelines (Richards et al. 2015 PMID: 25741868, with internal and published modifications).

Labcorp Genetics (formerly Invitae), Labcorp
Classification: Likely benign for Leber congenital amaurosis 8; Retinitis pigmentosa 12. Last evaluated: 2024-02-06. Review status: criteria provided, single submitter. Criteria: Invitae Variant Classification Sherloc (09022015). Collection method: clinical testing. Allele origin: germline.

NM_201253.3(CRB1):c.1818T>C (p.Cys606=)

Gene: CRB1 (crumbs cell polarity complex component 1; plus strand). Cytogenetic location: 1q31.3.
Variant type: single nucleotide variant.
Coding change: c.1818T>C on transcript NM_201253.3 (MANE Select); coding-DNA position 1818, T replaced by C.
Protein change: p.Cys606=; no amino-acid change (cysteine 606 retained).
Molecular consequence: synonymous variant. On other transcripts: non-coding transcript variant (1).
Genome position (GRCh38, 1-based): chr1:197,421,646, T>C. VCF-style: chr1-197421646-T-C. GRCh37 (hg19) VCF-style: chr1-197390776-T-C.
Other names: c.1818T>C (NM_201253.2); c.1482T>C, p.Cys494= (NM_001193640.2); c.1611T>C, p.Cys537= (NM_001257965.2); c.1818T>C, p.Cys606= (NM_001257966.2).
Identifiers: ClinVar variation 1089449 (VCV001089449.10), dbSNP rs371114178, ClinGen allele CA1311989.